The following is an entry in ClinVar:

NM_004656.4(BAP1):c.1136C>T (p.Ala379Val)

Gene: BAP1 (BRCA1 associated deubiquitinase 1; minus strand). Cytogenetic location: 3p21.1.
Variant type: single nucleotide variant.
Coding change: c.1136C>T on transcript NM_004656.4 (MANE Select); coding-DNA position 1136, C replaced by T.
Protein change: p.Ala379Val; replaces alanine 379 with valine.
Molecular consequence: missense variant.
Genome position (GRCh38, 1-based): chr3:52,404,567, G>A on the plus strand (C>T on the coding strand, the complement: BAP1 is on the minus strand). VCF-style: chr3-52404567-G-A. GRCh37 (hg19) VCF-style: chr3-52438583-G-A.
Other names: c.1082C>T, p.Ala361Val (NM_001410772.1); short protein forms A379V, A361V.
Identifiers: ClinVar variation 2774754 (VCV002774754.8), dbSNP rs2153226884, ClinGen allele CA353103380.

ClinVar aggregate classification (germline): Uncertain significance. Review status: criteria provided, multiple submitters, no conflicts (2 of 4 stars). 4 submissions from 4 submitters: Uncertain significance (4). Last evaluated 2026-03-20.

Conditions:
Kury-Isidor syndrome (KURIS). Identifiers: MedGen C5676925, MONDO:0859230, OMIM 619762.
Hereditary cancer-predisposing syndrome. Also called: Neoplastic Syndromes, Hereditary; Tumor predisposition; Hereditary neoplastic syndrome; Hereditary Cancer Syndrome. Identifiers: Orphanet 140162, MedGen C0027672, MeSH D009386, MONDO:0015356.
BAP1-related tumor predisposition syndrome (TPDS1). Also called: Tumor susceptibility linked to germline BAP1 mutations; BAP1 tumor predisposition syndrome; TUMOR PREDISPOSITION SYNDROME 1; COMMON Syndrome. Identifiers: Orphanet 289539, MedGen C3280492, MONDO:0013692, OMIM 614327.

Submissions (4):

Dasa
Classification: Uncertain significance for Kury-Isidor syndrome. Last evaluated: 2026-03-20. Review status: criteria provided, single submitter. Criteria: DASA Assertion Criteria. Collection method: clinical testing. Allele origin: germline.
Comment: NM_004656.4(BAP1):c.1136C>T (p.Ala379Val) is a missense variant that results in the substitution of alanine with valine. This variant is rare in population databases. The currently available literature and clinical evidence are not sufficient to establish a definitive association between this variant and the reported condition. Therefore, this variant is classified as a variant of uncertain significance.

Ambry Genetics
Classification: Uncertain significance for Hereditary cancer-predisposing syndrome. Last evaluated: 2025-11-10. Review status: criteria provided, single submitter. Criteria: Ambry Variant Classification Scheme 2023. Collection method: clinical testing. Allele origin: germline.
Comment: The p.A379V variant (also known as c.1136C>T), located in coding exon 12 of the BAP1 gene, results from a C to T substitution at nucleotide position 1136. The alanine at codon 379 is replaced by valine, an amino acid with similar properties. This amino acid position is conserved. In addition, the in silico prediction for this alteration is inconclusive. Based on the available evidence, the clinical significance of this variant remains unclear.

Color Diagnostics, LLC DBA Color Health
Classification: Uncertain significance for Hereditary cancer-predisposing syndrome. Last evaluated: 2024-03-07. Review status: criteria provided, single submitter. Criteria: ACMG Guidelines, 2015. Collection method: clinical testing. Allele origin: germline.
Comment: This missense variant replaces alanine with valine at codon 379 of the BAP1 protein. Computational prediction suggests that this variant may not impact protein structure and function (internally defined REVEL score threshold <= 0.5, PMID: 27666373). To our knowledge, functional studies have not been reported for this variant. This variant has not been reported in individuals affected with hereditary cancer in the literature. This variant has not been identified in the general population by the Genome Aggregation Database (gnomAD). The available evidence is insufficient to determine the role of this variant in disease conclusively. Therefore, this variant is classified as a Variant of Uncertain Significance.

Labcorp Genetics (formerly Invitae), Labcorp
Classification: Uncertain significance for BAP1-related tumor predisposition syndrome. Last evaluated: 2023-02-14. Review status: criteria provided, single submitter. Criteria: Invitae Variant Classification Sherloc (09022015). Collection method: clinical testing. Allele origin: germline.
Comment: This sequence change replaces alanine, which is neutral and non-polar, with valine, which is neutral and non-polar, at codon 379 of the BAP1 protein (p.Ala379Val). This variant is not present in population databases (gnomAD no frequency). This variant has not been reported in the literature in individuals affected with BAP1-related conditions. Advanced modeling of protein sequence and biophysical properties (such as structural, functional, and spatial information, amino acid conservation, physicochemical variation, residue mobility, and thermodynamic stability) performed at Invitae indicates that this missense variant is not expected to disrupt BAP1 protein function. In summary, the available evidence is currently insufficient to determine the role of this variant in disease. Therefore, it has been classified as a Variant of Uncertain Significance.